The following is an entry in ClinVar:

NM_000379.4(XDH):c.882C>T (p.Pro294=)

Gene: XDH (xanthine dehydrogenase; minus strand). Cytogenetic location: 2p23.1.
Variant type: single nucleotide variant.
Coding change: c.882C>T on transcript NM_000379.4 (MANE Select); coding-DNA position 882, C replaced by T.
Protein change: p.Pro294=; no amino-acid change (proline 294 retained).
Molecular consequence: synonymous variant.
Genome position (GRCh38, 1-based): chr2:31,383,759, G>A on the plus strand (C>T on the coding strand, the complement: XDH is on the minus strand). VCF-style: chr2-31383759-G-A. GRCh37 (hg19) VCF-style: chr2-31606625-G-A.
Identifiers: ClinVar variation 786264 (VCV000786264.18), dbSNP rs138246330, ClinGen allele CA1599450.
Genomic context (GRCh38, chr2:31,383,759, plus strand): 5'-TAACCTATCCCCAGCCTCACAGCCCCTCCATAAGCTTGGAGTGAACCTCCTCTTACCGTC[G>A]GGTCCATGTTCTACCGAATTCAGCTCAGGGATCCAGGCTGGGCAGACAATCATAGGAAAC-3'
Protein context (NP_000370.2, residues 284-304): IPELNSVEHG[Pro294=]DGISFGAACP

ClinVar aggregate classification (germline): Conflicting classifications of pathogenicity. Review status: criteria provided, conflicting classifications (1 of 4 stars). 7 submissions from 7 submitters: Uncertain significance (1); Benign (1); Likely benign (2). 3 of the submissions do not count toward it. Last evaluated 2025-12-02.

Conditions:
Xanthinuria type II. Also called: Xanthine dehydrogenase and aldehyde oxidase combined deficiency of; XDH and AOX dual deficiency. Identifiers: Orphanet 3467, Orphanet 93602, MedGen C1863688, MONDO:0011346, OMIM 603592.
XDH-related disorder. Also called: XDH-related condition.
Hereditary xanthinuria type 1 (XAN1). Identifiers: Orphanet 3467, Orphanet 93601, MedGen C0268118, MONDO:0010209, OMIM 278300.

Allele frequency attached by ClinVar (database versions not stated): 1000 Genomes Project 30x 0.00094; 1000 Genomes Project 0.00100; ESP Exome Variant Server 0.00169; TOPMed 0.00179; gnomAD 0.00190 and 0.00195; gnomAD exomes 0.00217 and 0.00240; ExAC 0.00263.
gnomAD v4.1: 3,807 of 1,613,710 alleles (0.24%); highest among the groups gnomAD compares: South Asian, 0.29%; 7 homozygotes.

Submissions (7):

Labcorp Genetics (formerly Invitae), Labcorp
Classification: Benign for Xanthinuria type II. Last evaluated: 2025-12-02. Review status: criteria provided, single submitter. Criteria: Invitae Variant Classification Sherloc (09022015). Collection method: clinical testing. Allele origin: germline.

Blueprint Genetics
Classification: Likely benign. Last evaluated: 2024-11-26. Review status: criteria provided, single submitter. Criteria: ACMG Guidelines, 2015. Collection method: clinical testing. Allele origin: germline.

GeneDx
Classification: Likely benign. Last evaluated: 2021-05-05. Review status: criteria provided, single submitter. Criteria: GeneDx Variant Classification Process June 2021. Collection method: clinical testing. Allele origin: germline. Affected: yes.

Illumina Laboratory Services, Illumina
Classification: Uncertain significance for Hereditary xanthinuria type 1. Last evaluated: 2018-01-13. Review status: criteria provided, single submitter. Criteria: ICSL Variant Classification Criteria 13 December 2019. Collection method: clinical testing. Allele origin: germline.

PreventionGenetics, part of Exact Sciences
Classification: Likely benign for XDH-related condition. Last evaluated: 2019-12-17. Review status: no assertion criteria provided. Collection method: clinical testing. Allele origin: germline. Not counted in ClinVar's aggregate classification.
Comment: This variant is classified as likely benign based on ACMG/AMP sequence variant interpretation guidelines (Richards et al. 2015 PMID: 25741868, with internal and published modifications).

Clinical Genetics DNA and cytogenetics Diagnostics Lab, Erasmus MC, Erasmus Medical Center
Classification: Likely benign. Review status: no assertion criteria provided. Collection method: clinical testing. Allele origin: germline. Affected: yes. Study: VKGL Data-share Consensus. Not counted in ClinVar's aggregate classification.

Genome Diagnostics Laboratory, University Medical Center Utrecht
Classification: Likely benign. Review status: no assertion criteria provided. Collection method: clinical testing. Allele origin: germline. Affected: yes. Study: VKGL Data-share Consensus. Not counted in ClinVar's aggregate classification.